The following is an entry in ClinVar:

ClinVar aggregate classification (germline): Uncertain significance (1 of 4 stars; one submission).

Submission:

Labcorp Genetics (formerly Invitae), Labcorp
Classification: Uncertain significance. Last evaluated: 2021-05-29. Review status: criteria provided, single submitter. Criteria: Invitae Variant Classification Sherloc (09022015). Collection method: clinical testing. Allele origin: germline.
Comment: In summary, the available evidence is currently insufficient to determine the role of this variant in disease. Therefore, it has been classified as a Variant of Uncertain Significance. Algorithms developed to predict the effect of missense changes on protein structure and function (SIFT, PolyPhen-2, Align-GVGD) all suggest that this variant is likely to be tolerated, but these predictions have not been confirmed by published functional studies and their clinical significance is uncertain. This variant has not been reported in the literature in individuals with LTBP2-related conditions. This variant is not present in population databases (ExAC no frequency). This sequence change replaces glycine with arginine at codon 1390 of the LTBP2 protein (p.Gly1390Arg). The glycine residue is weakly conserved and there is a moderate physicochemical difference between glycine and arginine.

NM_000428.3(LTBP2):c.4168G>C (p.Gly1390Arg)

Gene: LTBP2 (latent transforming growth factor beta binding protein 2; minus strand). Cytogenetic location: 14q24.3.
Variant type: single nucleotide variant.
Coding change: c.4168G>C on transcript NM_000428.3 (MANE Select); coding-DNA position 4168, G replaced by C.
Protein change: p.Gly1390Arg; replaces glycine 1390 with arginine.
Molecular consequence: missense variant.
Genome position (GRCh38, 1-based): chr14:74,506,057, C>G on the plus strand (G>C on the coding strand, the complement: LTBP2 is on the minus strand). VCF-style: chr14-74506057-C-G. GRCh37 (hg19) VCF-style: chr14-74972760-C-G.
Other names: short protein forms G1390R.
Identifiers: ClinVar variation 1357139 (VCV001357139.8), dbSNP rs2086979183, ClinGen allele CA390386222.
Genomic context (GRCh38, chr14:74,506,057, plus strand): 5'-CTCTCTGTAAACCTCTGAGTCACCATGGATAATGTGTCTCCCAGGCCTCACCTCCAGCCC[C>G]CCGTGGGCGGCAGTGCCCCTCCTGGGCATCGTACTCCTCCAGGTCACTGGCACAGAGGCA-3'
Protein context (NP_000419.1, residues 1380-1400): DAQEGHCRPR[Gly1390Arg]AGGQSMSEAP